The following is an entry in ClinVar:

NM_001370259.2(MEN1):c.1127T>G (p.Leu376Arg)

Gene: MEN1 (menin 1; minus strand). Cytogenetic location: 11q13.1.
Variant type: single nucleotide variant.
Coding change: c.1127T>G on transcript NM_001370259.2 (MANE Select); coding-DNA position 1127, T replaced by G.
Protein change: p.Leu376Arg; replaces leucine 376 with arginine.
Molecular consequence: missense variant.
Genome position (GRCh38, 1-based): chr11:64,805,693, A>C on the plus strand (T>G on the coding strand, the complement: MEN1 is on the minus strand). VCF-style: chr11-64805693-A-C. GRCh37 (hg19) VCF-style: chr11-64573165-A-C.
Other names: c.1142T>G, p.Leu381Arg (NM_000244.4, NM_130800.3, NM_130801.3 and 3 more transcripts); c.1253T>G, p.Leu418Arg (NM_001370251.2); c.1127T>G, p.Leu376Arg (NM_001370260.2, NM_001370261.2, NM_130799.3); c.1022T>G, p.Leu341Arg (NM_001370262.2, NM_001370263.2); short protein forms L376R, L381R, L341R, L418R.
Identifiers: ClinVar variation 428005 (VCV000428005.7), dbSNP rs1114167471, ClinGen allele CA381182422.
Genomic context (GRCh38, chr11:64,805,693, plus strand): 5'-ACCTGGCTTTGCTCCCCCGGCCGCTCCTCGCCCGCCTCCAGCAAGCTGGCTGCCTCCTTC[A>C]GCAGGTTGGGGATGACATCATTGGCTACTTCAAAGAACTCCTTGTAGATCTCCTCGTCTT-3'
Protein context (NP_001357188.2, residues 366-386): EVANDVIPNL[Leu376Arg]KEAASLLEAG

ClinVar aggregate classification (germline): Uncertain significance (1 of 4 stars; one submission).

Conditions:
Hereditary cancer-predisposing syndrome. Also called: Hereditary Cancer Syndrome; Tumor predisposition; Hereditary neoplastic syndrome; Neoplastic Syndromes, Hereditary. Identifiers: Orphanet 140162, MedGen C0027672, MeSH D009386, MONDO:0015356.

Submission:

Ambry Genetics
Classification: Uncertain significance for Hereditary cancer-predisposing syndrome. Last evaluated: 2026-04-01. Review status: criteria provided, single submitter. Criteria: Ambry Variant Classification Scheme 2023. Collection method: clinical testing. Allele origin: germline.
Comment: The p.L376R variant (also known as c.1127T>G), located in coding exon 7 of the MEN1 gene, results from a T to G substitution at nucleotide position 1127. The leucine at codon 376 is replaced by arginine, an amino acid with dissimilar properties. This amino acid position is completely conserved on sequence alignment. In addition, this alteration is predicted to be deleterious by in silico analysis. Based on the available evidence, the clinical significance of this variant remains unclear.

Literature cited by the submitters: PubMed 17623761.